The following is an entry in ClinVar:

NM_032638.5(GATA2):c.902C>G (p.Thr301Arg)

Gene: GATA2 (GATA binding protein 2; minus strand). Cytogenetic location: 3q21.3.
Variant type: single nucleotide variant.
Coding change: c.902C>G on transcript NM_032638.5 (MANE Select); coding-DNA position 902, C replaced by G.
Protein change: p.Thr301Arg; replaces threonine 301 with arginine.
Molecular consequence: missense variant.
Genome position (GRCh38, 1-based): chr3:128,483,975, G>C on the plus strand (C>G on the coding strand, the complement: GATA2 is on the minus strand). VCF-style: chr3-128483975-G-C. GRCh37 (hg19) VCF-style: chr3-128202818-G-C.
Other names: c.902C>G, p.Thr301Arg (NM_001145661.2, NM_001145662.1); short protein forms T301R.
Identifiers: ClinVar variation 1495299 (VCV001495299.8), dbSNP rs1559986113, ClinGen allele CA354404824.

ClinVar aggregate classification (germline): Uncertain significance (1 of 4 stars; one submission).

Conditions:
Deafness-lymphedema-leukemia syndrome. Also called: Lymphedema, primary, with myelodysplasia; Emberger syndrome. Identifiers: Orphanet 3226, MedGen C3279664, MONDO:0013540, OMIM 614038.
Monocytopenia with susceptibility to infections. Also called: MONOCYTOPENIA AND MYCOBACTERIAL INFECTION SYNDROME; MONOCYTOPENIA WITH SUSCEPTIBILITY TO MYCOBACTERIAL, FUNGAL, AND PAPILLOMAVIRUS INFECTIONS AND MYELODYSPLASIA; COMBINED IMMUNODEFICIENCY WITH SUSCEPTIBILITY TO MYCOBACTERIAL, VIRAL, AND FUNGAL INFECTIONS; Dendritic cell, monocyte, B lymphocyte, and natural killer lymphocyte deficiency; IMMUNODEFICIENCY 21; GATA2 DEFICIENCY. Identifiers: Orphanet 228423, MedGen C3280030, MONDO:0013607, OMIM 614172.

Submission:

Labcorp Genetics (formerly Invitae), Labcorp
Classification: Uncertain significance for Monocytopenia with susceptibility to infections; Deafness-lymphedema-leukemia syndrome. Last evaluated: 2021-05-31. Review status: criteria provided, single submitter. Criteria: Invitae Variant Classification Sherloc (09022015). Collection method: clinical testing. Allele origin: germline.
Comment: In summary, the available evidence is currently insufficient to determine the role of this variant in disease. Therefore, it has been classified as a Variant of Uncertain Significance. Algorithms developed to predict the effect of sequence changes on RNA splicing suggest that this variant may create or strengthen a splice site, but this prediction has not been confirmed by published transcriptional studies. Advanced modeling of protein sequence and biophysical properties (such as structural, functional, and spatial information, amino acid conservation, physicochemical variation, residue mobility, and thermodynamic stability) performed at Invitae indicates that this missense variant is expected to disrupt GATA2 protein function. This variant has not been reported in the literature in individuals with GATA2-related conditions. This variant is not present in population databases (ExAC no frequency). This sequence change replaces threonine with arginine at codon 301 of the GATA2 protein (p.Thr301Arg). The threonine residue is moderately conserved and there is a moderate physicochemical difference between threonine and arginine.